The following is an entry in ClinVar:

NM_019074.4(DLL4):c.1747G>T (p.Ala583Ser)

Gene: DLL4 (delta like canonical Notch ligand 4; plus strand). Cytogenetic location: 15q15.1.
Variant type: single nucleotide variant.
Coding change: c.1747G>T on transcript NM_019074.4 (MANE Select); coding-DNA position 1747, G replaced by T.
Protein change: p.Ala583Ser; replaces alanine 583 with serine.
Molecular consequence: missense variant.
Genome position (GRCh38, 1-based): chr15:40,936,734, G>T. VCF-style: chr15-40936734-G-T. GRCh37 (hg19) VCF-style: chr15-41228932-G-T.
Other names: short protein forms A583S.
Identifiers: ClinVar variation 2106169 (VCV002106169.4), dbSNP rs1267396345, ClinGen allele CA391782063.
Genomic context (GRCh38, chr15:40,936,734, plus strand): 5'-GGCAGCAGGGAAGCCATGAACAACTTGTCGGACTTCCAGAAGGACAACCTGATTCCTGCC[G>T]CCCAGCTTAAAAACACAAACCAGAAGAAGGAGCTGGAAGTGGACTGTGGCCTGGACAAGT-3'
Protein context (NP_061947.1, residues 573-593): DFQKDNLIPA[Ala583Ser]QLKNTNQKKE

ClinVar aggregate classification (germline): Uncertain significance (1 of 4 stars; one submission).

Submission:

Labcorp Genetics (formerly Invitae), Labcorp
Classification: Uncertain significance. Last evaluated: 2026-01-27. Review status: criteria provided, single submitter. Criteria: Invitae Variant Classification Sherloc (09022015). Collection method: clinical testing. Allele origin: germline.
Comment: This sequence change replaces alanine, which is neutral and non-polar, with serine, which is neutral and polar, at codon 583 of the DLL4 protein (p.Ala583Ser). This variant is not present in population databases (gnomAD no frequency). This variant has not been reported in the literature in individuals affected with DLL4-related conditions. ClinVar contains an entry for this variant (Variation ID: 2106169). Invitae Evidence Modeling of protein sequence and biophysical properties (such as structural, functional, and spatial information, amino acid conservation, physicochemical variation, residue mobility, and thermodynamic stability) indicates that this missense variant is not expected to disrupt DLL4 protein function with a negative predictive value of 80%. In summary, the available evidence is currently insufficient to determine the role of this variant in disease. Therefore, it has been classified as a Variant of Uncertain Significance.